The following is an entry in ClinVar:

ClinVar aggregate classification (germline): Uncertain significance. Review status: criteria provided, multiple submitters, no conflicts (2 of 4 stars). 2 submissions from 2 submitters: Uncertain significance (2). Last evaluated 2025-12-31.

Conditions:
Autosomal recessive limb-girdle muscular dystrophy type 2J (LGMDR10). Also called: MUSCULAR DYSTROPHY, LIMB-GIRDLE, AUTOSOMAL RECESSIVE 10; Limb-girdle muscular dystrophy, type 2J. Identifiers: Orphanet 140922, MedGen C1837342, MONDO:0012127, OMIM 608807.
Dilated cardiomyopathy 1G (CMD1G). Identifiers: Orphanet 154, MedGen C1858763, MONDO:0011400, OMIM 604145.

gnomAD v4.1: 10 of 1,613,896 alleles (0.00062%); highest among the groups gnomAD compares: East Asian, 0.0022%; no homozygotes.

Submissions (2):

Labcorp Genetics (formerly Invitae), Labcorp
Classification: Uncertain significance for Dilated cardiomyopathy 1G; Autosomal recessive limb-girdle muscular dystrophy type 2J. Last evaluated: 2025-12-31. Review status: criteria provided, single submitter. Criteria: Invitae Variant Classification Sherloc (09022015). Collection method: clinical testing. Allele origin: germline.
Comment: This sequence change replaces isoleucine, which is neutral and non-polar, with threonine, which is neutral and polar, at codon 33763 of the TTN protein (p.Ile33763Thr). This variant is present in population databases (no rsID available, gnomAD 0.0009%). This variant has not been reported in the literature in individuals affected with TTN-related conditions. Experimental studies and prediction algorithms are not available or were not evaluated, and the functional significance of this variant is currently unknown. This variant is located in the M band of TTN (PMID: 25589632). Non-truncating variants in this region may be relevant for neuromuscular disorders, but have not been definitively shown to cause cardiomyopathy (PMID: 23975875). In summary, the available evidence is currently insufficient to determine the role of this variant in disease. Therefore, it has been classified as a Variant of Uncertain Significance.

Women's Health and Genetics/Laboratory Corporation of America, LabCorp
Classification: Uncertain significance. Last evaluated: 2025-10-18. Review status: criteria provided, single submitter. Criteria: LabCorp Variant Classification Summary - May 2015. Collection method: clinical testing. Allele origin: germline.

Literature cited by the submitters: PubMed 25589632 (cited by Labcorp Genetics (formerly Invitae), Labcorp); PubMed 23975875 (cited by Labcorp Genetics (formerly Invitae), Labcorp).

NM_001267550.2(TTN):c.101288T>C (p.Ile33763Thr)

Genes: TTN-AS1 (TTN antisense RNA 1; plus strand), TTN (titin; minus strand). Cytogenetic location: 2q31.2.
Variant type: single nucleotide variant.
Coding change: c.101288T>C on transcript NM_001267550.2 (MANE Select); coding-DNA position 101288, T replaced by C.
Protein change: p.Ile33763Thr; replaces isoleucine 33763 with threonine.
Molecular consequence: missense variant.
Genome position (GRCh38, 1-based): chr2:178,535,327, A>G on the plus strand (T>C on the coding strand, the complement: TTN is on the minus strand). VCF-style: chr2-178535327-A-G. GRCh37 (hg19) VCF-style: chr2-179400054-A-G.
Other names: c.96365T>C, p.Ile32122Thr (NM_001256850.1); c.74093T>C, p.Ile24698Thr (NM_003319.4); c.93584T>C, p.Ile31195Thr (NM_133378.4); c.74468T>C, p.Ile24823Thr (NM_133432.3); c.74669T>C, p.Ile24890Thr (NM_133437.4); short protein forms I24698T, I24823T, I24890T, I31195T, I32122T, I33763T.
Identifiers: ClinVar variation 4687190 (VCV004687190.2).